The following is an entry in ClinVar:

ClinVar aggregate classification (germline): Likely benign. Review status: criteria provided, multiple submitters, no conflicts (2 of 4 stars). 2 submissions from 2 submitters: Likely benign (2). Last evaluated 2021-05-23.

Conditions:
ANO5-Related Muscle Diseases. Identifiers: MedGen CN180644.

Allele frequency attached by ClinVar (database versions not stated): gnomAD 0.01610; 1000 Genomes Project 30x 0.00515; 1000 Genomes Project 0.00519; TOPMed 0.01372.

Submissions (2):

GeneDx
Classification: Likely benign. Last evaluated: 2021-05-23. Review status: criteria provided, single submitter. Criteria: GeneDx Variant Classification Process June 2021. Collection method: clinical testing. Allele origin: germline. Affected: yes.

Illumina Laboratory Services, Illumina
Classification: Likely benign for ANO5-Related Muscle Diseases. Last evaluated: 2018-01-12. Review status: criteria provided, single submitter. Criteria: ICSL Variant Classification Criteria 13 December 2019. Collection method: clinical testing. Allele origin: germline.
Comment: This variant was observed in the ICSL laboratory as part of a predisposition screen in an ostensibly healthy population. It had not been previously curated by ICSL or reported in the Human Gene Mutation Database (HGMD: prior to June 1st, 2018), and was therefore a candidate for classification through an automated scoring system. Utilizing variant allele frequency, disease prevalence and penetrance estimates, and inheritance mode, an automated score was calculated to assess if this variant is too frequent to cause the disease. Based on the score and internal cut-off values, a variant classified as likely benign is not then subjected to further curation. The score for this variant resulted in a classification of likely benign for this disease.

NM_213599.3(ANO5):c.*2095G>A

Gene: ANO5 (anoctamin 5; plus strand). Cytogenetic location: 11p14.3.
Variant type: single nucleotide variant.
Coding change: c.*2095G>A on transcript NM_213599.3 (MANE Select); 2095 bases downstream of the stop codon, G replaced by A.
Molecular consequence: 3 prime UTR variant.
Genome position (GRCh38, 1-based): chr11:22,281,860, G>A. VCF-style: chr11-22281860-G-A. GRCh37 (hg19) VCF-style: chr11-22303406-G-A.
Other names: c.*2095G>A (NM_001142649.2).
Identifiers: ClinVar variation 304145 (VCV000304145.7), dbSNP rs142192440, ClinGen allele CA10630646.